The following is an entry in ClinVar:

NM_001370466.1(NOD2):c.2426T>C (p.Ile809Thr)

Gene: NOD2 (nucleotide binding oligomerization domain containing 2; plus strand). Cytogenetic location: 16q12.1.
Variant type: single nucleotide variant.
Coding change: c.2426T>C on transcript NM_001370466.1 (MANE Select); coding-DNA position 2426, T replaced by C.
Protein change: p.Ile809Thr; replaces isoleucine 809 with threonine.
Molecular consequence: missense variant. On other transcripts: non-coding transcript variant (1).
Genome position (GRCh38, 1-based): chr16:50,716,631, T>C. VCF-style: chr16-50716631-T-C. GRCh37 (hg19) VCF-style: chr16-50750542-T-C.
Other names: c.2507T>C (NM_022162.2); c.2426T>C, p.Ile809Thr (NM_001293557.2); c.2507T>C, p.Ile836Thr (NM_022162.3); short protein forms I836T, I809T.
Identifiers: ClinVar variation 1432593 (VCV001432593.9), dbSNP rs763192145, ClinGen allele CA8051807.
Genomic context (GRCh38, chr16:50,716,631, plus strand): 5'-TATTTTGTCTCTTTAGTTTGCGCGATAACAATATCTCAGACCGAGGCATCTGCAAGCTCA[T>C]TGAATGTGCTCTTCACTGCGAGCAATTGCAGAAGTTAGCGTAAGTCAGCCTGGGCTGTGG-3'
Protein context (NP_001357395.1, residues 799-819): NISDRGICKL[Ile809Thr]ECALHCEQLQ

ClinVar aggregate classification (germline): Uncertain significance. Review status: criteria provided, multiple submitters, no conflicts (2 of 4 stars). 3 submissions from 3 submitters: Uncertain significance (2). 1 of the submissions does not count toward it. Last evaluated 2026-04-08.

Conditions:
NOD2-related disorder. Also called: NOD2-related condition.
Blau syndrome (BLAUS). Also called: ARTHROCUTANEOUVEAL GRANULOMATOSIS; GRANULOMATOSIS, FAMILIAL JUVENILE SYSTEMIC; GRANULOMATOSIS, FAMILIAL, BLAU TYPE; GRANULOMATOUS INFLAMMATORY ARTHRITIS, DERMATITIS, AND UVEITIS, FAMILIAL; JABS SYNDROME. Identifiers: Orphanet 90340, MedGen C5201146, MONDO:0008523, OMIM 186580.
Regional enteritis. Also called: Enteritis, Granulomatous. Identifiers: MedGen C0678202, MeSH D003424.

Allele frequency attached by ClinVar (database versions not stated): ExAC 0.00002; gnomAD exomes 0.00002 and 0.00004; gnomAD 0.00003; TOPMed 0.00004.
gnomAD v4.1: 40 of 1,614,128 alleles (0.0025%); highest among the groups gnomAD compares: Middle Eastern, 0.033%; no homozygotes.

Submissions (3):

Women's Health and Genetics/Laboratory Corporation of America, LabCorp
Classification: Uncertain significance. Last evaluated: 2026-04-08. Review status: criteria provided, single submitter. Criteria: LabCorp Variant Classification Summary - May 2015. Collection method: clinical testing. Allele origin: germline.
Comment: Variant summary: NOD2 c.2507T>C (p.Ile836Thr) results in a non-conservative amino acid change in the encoded protein sequence. Algorithms developed to predict the effect of missense changes on protein structure and function are either unavailable or do not agree on the potential impact of this missense change. The variant allele was found at a frequency of 4e-05 in 251396 control chromosomes, predominantly at a frequency of 0.00012 within the Latino subpopulation in the gnomAD database. The available data on variant occurrences in the general population are insufficient to allow any conclusion about variant significance. To our knowledge, no occurrence of c.2507T>C in individuals affected with NOD2-related conditions and no experimental evidence demonstrating its impact on protein function have been reported. ClinVar contains an entry for this variant (Variation ID: 1432593). Based on the evidence outlined above, the variant was classified as uncertain significance.

Labcorp Genetics (formerly Invitae), Labcorp
Classification: Uncertain significance for Regional enteritis; Blau syndrome. Last evaluated: 2026-01-08. Review status: criteria provided, single submitter. Criteria: Invitae Variant Classification Sherloc (09022015). Collection method: clinical testing. Allele origin: germline.
Comment: This sequence change replaces isoleucine, which is neutral and non-polar, with threonine, which is neutral and polar, at codon 836 of the NOD2 protein (p.Ile836Thr). This variant is present in population databases (rs763192145, gnomAD 0.01%). This variant has not been reported in the literature in individuals affected with NOD2-related conditions. ClinVar contains an entry for this variant (Variation ID: 1432593). Invitae Evidence Modeling of protein sequence and biophysical properties (such as structural, functional, and spatial information, amino acid conservation, physicochemical variation, residue mobility, and thermodynamic stability) indicates that this missense variant is not expected to disrupt NOD2 protein function with a negative predictive value of 95%. In summary, the available evidence is currently insufficient to determine the role of this variant in disease. Therefore, it has been classified as a Variant of Uncertain Significance.

PreventionGenetics, part of Exact Sciences
Classification: Uncertain significance for NOD2-related condition. Last evaluated: 2024-01-25. Review status: no assertion criteria provided. Collection method: clinical testing. Allele origin: germline. Not counted in ClinVar's aggregate classification.
Comment: The NOD2 c.2507T>C variant is predicted to result in the amino acid substitution p.Ile836Thr. This variant has been reported in an individual with autoinflammatory disease together with variant of unknown significance in AP1S3 gene (Table 2, Rama et al. 2020. PubMed ID: 32909274). This variant is reported in 0.012% of alleles in individuals of Latino descent in gnomAD. At this time, the clinical significance of this variant is uncertain due to the absence of conclusive functional and genetic evidence.